The following is an entry in ClinVar:

ClinVar aggregate classification (germline): Likely benign (1 of 4 stars; one submission).

gnomAD v4.1: 53 of 1,604,494 alleles (0.0033%); highest among the groups gnomAD compares: Admixed American, 0.045%; no homozygotes.

Submission:

CeGaT Center for Human Genetics Tuebingen
Classification: Likely benign. Last evaluated: 2026-09-01. Review status: criteria provided, single submitter. Criteria: CeGaT Center For Human Genetics Tuebingen Variant Classification Criteria Version 2. Collection method: clinical testing. Allele origin: germline. Affected: yes. Observed: 1 variant allele.
Comment: CCNF: BP4, BP7

NM_001761.3(CCNF):c.1389G>A (p.Thr463=)

Gene: CCNF (cyclin F; plus strand). Cytogenetic location: 16p13.3.
Variant type: single nucleotide variant.
Coding change: c.1389G>A on transcript NM_001761.3 (MANE Select); coding-DNA position 1389, G replaced by A.
Protein change: p.Thr463=; no amino-acid change (threonine 463 retained).
Molecular consequence: synonymous variant.
Genome position (GRCh38, 1-based): chr16:2,449,452, G>A. VCF-style: chr16-2449452-G-A. GRCh37 (hg19) VCF-style: chr16-2499453-G-A.
Other names: c.465G>A, p.Thr155= (NM_001323538.2).
Identifiers: ClinVar variation 5041381 (VCV005041381.1).